The following is an entry in ClinVar:

NM_001040108.2(MLH3):c.3857G>A (p.Gly1286Asp)

Gene: MLH3 (mutL homolog 3; minus strand). Cytogenetic location: 14q24.3.
Variant type: single nucleotide variant.
Coding change: c.3857G>A on transcript NM_001040108.2 (MANE Select); coding-DNA position 3857, G replaced by A.
Protein change: p.Gly1286Asp; replaces glycine 1286 with aspartic acid.
Molecular consequence: missense variant.
Genome position (GRCh38, 1-based): chr14:75,030,673, C>T on the plus strand (G>A on the coding strand, the complement: MLH3 is on the minus strand). VCF-style: chr14-75030673-C-T. GRCh37 (hg19) VCF-style: chr14-75497376-C-T.
Other names: c.3785G>A, p.Gly1262Asp (NM_014381.3); short protein forms G1262D, G1286D.
Identifiers: ClinVar variation 3396619 (VCV003396619.3).
Genomic context (GRCh38, chr14:75,030,673, plus strand): 5'-AGTGGTACTTTTCCCACAAGGACCAGAGAATCACTAGTGTCTGGAAATACAAATTCAAGG[C>T]CCAGATCTTCCAGATTTTTGTGGTAACACCTAAAGAGATAACCTCAAATGTTAAAAAAAA-3'
Protein context (NP_001035197.1, residues 1276-1296): WCYHKNLEDL[Gly1286Asp]LEFVFPDTSD

ClinVar aggregate classification (germline): Uncertain significance. Review status: criteria provided, multiple submitters, no conflicts (2 of 4 stars). 2 submissions from 2 submitters: Uncertain significance (2). Last evaluated 2024-09-28.

Conditions:
Colorectal cancer, hereditary nonpolyposis, type 7. Identifiers: Orphanet 144, MedGen C1858380, MONDO:0013725, OMIM 614385.

gnomAD v4.1: 2 of 1,613,942 alleles (0.00012%); highest among the groups gnomAD compares: East Asian, 0.0022%; no homozygotes.

Submissions (2):

Labcorp Genetics (formerly Invitae), Labcorp
Classification: Uncertain significance for Colorectal cancer, hereditary nonpolyposis, type 7. Last evaluated: 2024-09-28. Review status: criteria provided, single submitter. Criteria: Invitae Variant Classification Sherloc (09022015). Collection method: clinical testing. Allele origin: germline.
Comment: This sequence change replaces glycine, which is neutral and non-polar, with aspartic acid, which is acidic and polar, at codon 1286 of the MLH3 protein (p.Gly1286Asp). This variant is present in population databases (no rsID available, gnomAD 0.006%). This variant has not been reported in the literature in individuals affected with MLH3-related conditions. An algorithm developed to predict the effect of missense changes on protein structure and function (PolyPhen-2) suggests that this variant is likely to be disruptive. In summary, the available evidence is currently insufficient to determine the role of this variant in disease. Therefore, it has been classified as a Variant of Uncertain Significance.

Ambry Genetics
Classification: Uncertain significance. Last evaluated: 2024-07-11. Review status: criteria provided, single submitter. Criteria: Ambry Variant Classification Scheme 2023. Collection method: clinical testing. Allele origin: germline.
Comment: The p.G1286D variant (also known as c.3857G>A), located in coding exon 8 of the MLH3 gene, results from a G to A substitution at nucleotide position 3857. The glycine at codon 1286 is replaced by aspartic acid, an amino acid with similar properties. This amino acid position is conserved. In addition, this alteration is predicted to be deleterious by in silico analysis. Based on the available evidence, the clinical significance of this variant remains unclear.